The following is an entry in ClinVar:

NM_000018.4(ACADVL):c.1736del (p.Val579fs)

Gene: ACADVL (acyl-CoA dehydrogenase very long chain; plus strand). Cytogenetic location: 17p13.1.
Variant type: Deletion.
Coding change: c.1736del on transcript NM_000018.4 (MANE Select); coding-DNA position 1736, one base deleted (T; older notation c.1736delT).
Protein change: p.Val579fs; shifts the reading frame from valine 579.
Molecular consequence: frameshift variant.
Genome position (GRCh38, 1-based): chr17:7,224,699, T deleted. VCF-style (leftmost placement, unchanged base first): chr17-7224698-GT-G. GRCh37 (hg19) VCF-style: chr17-7128017-GT-G.
Other names: c.1670del, p.Val557fs (NM_001033859.3); c.1805del, p.Val602fs (NM_001270447.2); c.1508del, p.Val503fs (NM_001270448.2); short protein forms V503fs, V557fs, V602fs, V579fs.
Identifiers: ClinVar variation 2062307 (VCV002062307.4), dbSNP rs2508367317, ClinGen allele CA2580094868.

ClinVar aggregate classification (germline): Pathogenic (1 of 4 stars; one submission).

Conditions:
Very long chain acyl-CoA dehydrogenase deficiency (ACADVLD). Also called: VLCAD Deficiency; Very Long-Chain Acyl-Coenzyme A Dehydrogenase Deficiency. Identifiers: Orphanet 26793, MedGen C3887523, MONDO:0008723, OMIM 201475.

Submission:

Labcorp Genetics (formerly Invitae), Labcorp
Classification: Pathogenic for Very long chain acyl-CoA dehydrogenase deficiency. Last evaluated: 2022-07-29. Review status: criteria provided, single submitter. Criteria: Invitae Variant Classification Sherloc (09022015). Collection method: clinical testing. Allele origin: germline.
Comment: For these reasons, this variant has been classified as Pathogenic. This variant has not been reported in the literature in individuals affected with ACADVL-related conditions. This variant is not present in population databases (gnomAD no frequency). This sequence change creates a premature translational stop signal (p.Val579Glyfs*11) in the ACADVL gene. It is expected to result in an absent or disrupted protein product. Loss-of-function variants in ACADVL are known to be pathogenic (PMID: 9973285, 11590124).

Literature cited by the submitters: PubMed 9973285; PubMed 11590124.